The following is an entry in ClinVar:

ClinVar aggregate classification (germline): Likely pathogenic (1 of 4 stars; one submission).

Conditions:
Agammaglobulinemia 3, autosomal recessive (AGM3). Also called: AGAMMAGLOBULINEMIA 3; AGAMMAGLOBULINEMIA, AUTOSOMAL RECESSIVE, DUE TO CD79A DEFECT. Identifiers: MedGen C3150751, MONDO:0013288, OMIM 613501.

Submission:

Labcorp Genetics (formerly Invitae), Labcorp
Classification: Likely pathogenic for Agammaglobulinemia 3, autosomal recessive. Last evaluated: 2022-05-29. Review status: criteria provided, single submitter. Criteria: Invitae Variant Classification Sherloc (09022015). Collection method: clinical testing. Allele origin: germline.
Comment: This sequence change affects an acceptor splice site in intron 3 of the CD79A gene. It is expected to disrupt RNA splicing. Variants that disrupt the donor or acceptor splice site typically lead to a loss of protein function (PMID: 16199547), and loss-of-function variants in CD79A are known to be pathogenic (PMID: 10525050, 24481606). This variant is not present in population databases (gnomAD no frequency). Disruption of this splice site has been observed in individual(s) with clinical features of Igα deficiency (Invitae). Algorithms developed to predict the effect of sequence changes on RNA splicing suggest that this variant may disrupt the consensus splice site. In summary, the currently available evidence indicates that the variant is pathogenic, but additional data are needed to prove that conclusively. Therefore, this variant has been classified as Likely Pathogenic.

Literature cited by the submitters: PubMed 16199547; PubMed 10525050; PubMed 24481606.

NM_001783.4(CD79A):c.499-1G>A

Genes: CD79A (CD79a molecule; plus strand), RPS19-CD79A (RPS19-CD79A readthrough; plus strand). Cytogenetic location: 19q13.2.
Variant type: single nucleotide variant.
Coding change: c.499-1G>A on transcript NM_001783.4 (MANE Select); the canonical splice acceptor site of the intron before coding-DNA position 499, G replaced by A.
Molecular consequence: splice acceptor variant.
Genome position (GRCh38, 1-based): chr19:41,880,669, G>A. VCF-style: chr19-41880669-G-A. GRCh37 (hg19) VCF-style: chr19-42384736-G-A.
Other names: c.385-1G>A (NM_021601.4).
Identifiers: ClinVar variation 2105348 (VCV002105348.4), dbSNP rs1555844063, ClinGen allele CA406037042.